The following is an entry in ClinVar:

NM_001282225.2(ADA2):c.158del (p.Asn53fs)

Gene: ADA2 (adenosine deaminase 2; minus strand). Cytogenetic location: 22q11.1.
Variant type: Deletion.
Coding change: c.158del on transcript NM_001282225.2 (MANE Select); coding-DNA position 158, one base deleted (A; older notation c.158delA).
Protein change: p.Asn53fs; shifts the reading frame from asparagine 53.
Molecular consequence: frameshift variant. On other transcripts: intron variant (1).
Genome position (GRCh38, 1-based): chr22:17,209,520, T deleted on the plus strand (A on the coding strand, the reverse complement: ADA2 is on the minus strand); the first of 2 consecutive T bases (chr22:17,209,520-17,209,521); deleting either gives the same sequence. VCF-style (leftmost placement, unchanged base first): chr22-17209519-GT-G. GRCh37 (hg19) VCF-style: chr22-17690409-GT-G.
Other names: c.158del, p.Asn53fs (NM_001282226.2); c.32del, p.Asn11fs (NM_001282227.2, NM_001282228.2); c.-38-2230del (NM_001282229.2); short protein forms N11fs, N53fs.
Identifiers: ClinVar variation 1285514 (VCV001285514.3), dbSNP rs2062393838, ClinGen allele CA2394977368.

ClinVar aggregate classification (germline): Pathogenic. Review status: criteria provided, multiple submitters, no conflicts (2 of 4 stars). 2 submissions from 2 submitters: Pathogenic (2). Last evaluated 2024-05-17.

Conditions:
Deficiency of adenosine deaminase 2. Also called: Adenosine Deaminase 2 Deficiency; VASCULITIS, AUTOINFLAMMATION, IMMUNODEFICIENCY, AND HEMATOLOGIC DEFECTS SYNDROME; Polyarteritis nodosa, childhoood-onset. Identifiers: Orphanet 404553, MedGen C3887654, MONDO:0014306, OMIM 615688, MONDO:0100317.
ADA2-related disorder. Also called: ADA2-related condition.

Submissions (2):

Blueprint Genetics
Classification: Pathogenic for ADA2-related disorders. Last evaluated: 2024-05-17. Review status: criteria provided, single submitter. Criteria: ACMG Guidelines, 2015. Collection method: clinical testing. Allele origin: germline. Affected: yes. Observed: 2 variant alleles.

Institute of Human Genetics, University of Leipzig Medical Center
Classification: Pathogenic for Deficiency of adenosine deaminase 2. Last evaluated: 2022-01-31. Review status: criteria provided, single submitter. Criteria: ACMG Guidelines, 2015. Collection method: clinical testing. Allele origin: germline. Affected: yes.
Comment: Criteria: PVS1, PM2_SUP, PP4_VSTR This variant was identified as compound heterozygous with NM_001282225.2:c.2T>A.